The following is an entry in ClinVar:

NM_005993.5(TBCD):c.3034dup (p.Ile1012fs)

Gene: TBCD (tubulin folding cofactor D). Cytogenetic location: 17q25.3.
Variant type: Duplication.
Coding change: c.3034dup on transcript NM_005993.5 (MANE Select); coding-DNA position 3034, one base duplicated.
Protein change: p.Ile1012fs; shifts the reading frame from isoleucine 1012.
Molecular consequence: frameshift variant.
Genome position: GRCh38 VCF-style: chr17-82930563-C-CA. GRCh37 (hg19) VCF-style: chr17-80888439-C-CA.
Other names: c.2953dup, p.Ile985fs (NM_001411102.1); c.2983dup, p.Ile995fs (NM_001411101.1); short protein forms I995fs, I1012fs, I985fs.
Identifiers: ClinVar variation 2750093 (VCV002750093.3), dbSNP rs2510780750, ClinGen allele CA2697555299.

ClinVar aggregate classification (germline): Pathogenic (1 of 4 stars; one submission).

Submission:

Labcorp Genetics (formerly Invitae), Labcorp
Classification: Pathogenic. Last evaluated: 2023-08-04. Review status: criteria provided, single submitter. Criteria: Invitae Variant Classification Sherloc (09022015). Collection method: clinical testing. Allele origin: germline.
Comment: For these reasons, this variant has been classified as Pathogenic. This variant has not been reported in the literature in individuals affected with TBCD-related conditions. This variant is not present in population databases (gnomAD no frequency). This sequence change creates a premature translational stop signal (p.Ile1012Asnfs*20) in the TBCD gene. It is expected to result in an absent or disrupted protein product. Loss-of-function variants in TBCD are known to be pathogenic (PMID: 27666370, 27666374).

Literature cited by the submitters: PubMed 27666370; PubMed 27666374.